The following is an entry in ClinVar:

NM_015072.5(TTLL5):c.208G>T (p.Val70Leu)

Gene: TTLL5 (tubulin tyrosine ligase like 5; plus strand). Cytogenetic location: 14q24.3.
Variant type: single nucleotide variant.
Coding change: c.208G>T on transcript NM_015072.5 (MANE Select); coding-DNA position 208, G replaced by T.
Protein change: p.Val70Leu; replaces valine 70 with leucine.
Molecular consequence: missense variant.
Genome position (GRCh38, 1-based): chr14:75,681,571, G>T. VCF-style: chr14-75681571-G-T. GRCh37 (hg19) VCF-style: chr14-76147914-G-T.
Other names: short protein forms V70L.
Identifiers: ClinVar variation 959807 (VCV000959807.7), dbSNP rs761068583, ClinGen allele CA7278846.
Genomic context (GRCh38, chr14:75,681,571, plus strand): 5'-TCTAGTTACTGAACTTGATTCTGTTTTTCTTTAGAACGTTATCATTTGTCTTATAAGATT[G>T]TACGAACGGACAGTCGCCTAGTACGCAGCATTCTGACAGCCCATGGATTTCATGAAGTAA-3'
Protein context (NP_055887.3, residues 60-80): GERYHLSYKI[Val70Leu]RTDSRLVRSI

ClinVar aggregate classification (germline): Uncertain significance. Review status: criteria provided, multiple submitters, no conflicts (2 of 4 stars). 3 submissions from 3 submitters: Uncertain significance (3). Last evaluated 2024-10-16.

Conditions:
Inborn genetic diseases. Identifiers: MedGen C0950123, MeSH D030342.

Allele frequency attached by ClinVar (database versions not stated): gnomAD 0.00005; TOPMed 0.00010.
gnomAD v4.1: 83 of 1,613,242 alleles (0.0051%); highest among the groups gnomAD compares: Admixed American, 0.032%; no homozygotes.

Submissions (3):

Ambry Genetics
Classification: Uncertain significance for Inborn genetic diseases. Last evaluated: 2024-10-16. Review status: criteria provided, single submitter. Criteria: Ambry Variant Classification Scheme 2023. Collection method: clinical testing. Allele origin: germline.

Labcorp Genetics (formerly Invitae), Labcorp
Classification: Uncertain significance. Last evaluated: 2023-08-10. Review status: criteria provided, single submitter. Criteria: Invitae Variant Classification Sherloc (09022015). Collection method: clinical testing. Allele origin: germline.
Comment: This sequence change replaces valine, which is neutral and non-polar, with leucine, which is neutral and non-polar, at codon 70 of the TTLL5 protein (p.Val70Leu). This variant is present in population databases (rs761068583, gnomAD 0.02%). This variant has not been reported in the literature in individuals affected with TTLL5-related conditions. ClinVar contains an entry for this variant (Variation ID: 959807). Advanced modeling of protein sequence and biophysical properties (such as structural, functional, and spatial information, amino acid conservation, physicochemical variation, residue mobility, and thermodynamic stability) performed at Invitae indicates that this missense variant is not expected to disrupt TTLL5 protein function. In summary, the available evidence is currently insufficient to determine the role of this variant in disease. Therefore, it has been classified as a Variant of Uncertain Significance.

Blueprint Genetics
Classification: Uncertain significance. Last evaluated: 2022-06-23. Review status: criteria provided, single submitter. Criteria: ACMG Guidelines, 2015. Collection method: clinical testing. Allele origin: germline.